The following is an entry in ClinVar:

NM_020822.3(KCNT1):c.3002C>A (p.Thr1001Lys)

Gene: KCNT1 (potassium sodium-activated channel subfamily T member 1; plus strand). Cytogenetic location: 9q34.3.
Variant type: single nucleotide variant.
Coding change: c.3002C>A on transcript NM_020822.3 (MANE Select); coding-DNA position 3002, C replaced by A.
Protein change: p.Thr1001Lys; replaces threonine 1001 with lysine.
Molecular consequence: missense variant.
Genome position (GRCh38, 1-based): chr9:135,784,593, C>A. VCF-style: chr9-135784593-C-A. GRCh37 (hg19) VCF-style: chr9-138676439-C-A.
Other names: c.2867C>A, p.Thr956Lys (NM_001272003.2); short protein forms T1001K, T956K.
Identifiers: ClinVar variation 429229 (VCV000429229.5), dbSNP rs372775166, ClinGen allele CA5327555.

ClinVar aggregate classification (germline): Uncertain significance (1 of 4 stars; one submission).

Allele frequency attached by ClinVar (database versions not stated): TOPMed 0.00002 and 0.00001.
gnomAD v4.1: 1 of 1,606,822 alleles (0.000062%); highest among the groups gnomAD compares: African/African-American, 0.0014%; no homozygotes.

Submission:

GeneDx
Classification: Uncertain significance. Last evaluated: 2022-12-22. Review status: criteria provided, single submitter. Criteria: GeneDx Variant Classification Process June 2021. Collection method: clinical testing. Allele origin: germline. Affected: yes.
Comment: Has not been previously published as pathogenic or benign to our knowledge; Not observed at significant frequency in large population cohorts (gnomAD); In silico analysis supports that this missense variant has a deleterious effect on protein structure/function